The following is an entry in ClinVar:

NM_001267550.2(TTN):c.101964G>C (p.Gln33988His)

Genes: TTN (titin; minus strand), TTN-AS1 (TTN antisense RNA 1; plus strand). Cytogenetic location: 2q31.2.
Variant type: single nucleotide variant.
Coding change: c.101964G>C on transcript NM_001267550.2 (MANE Select); coding-DNA position 101964, G replaced by C.
Protein change: p.Gln33988His; replaces glutamine 33988 with histidine.
Molecular consequence: missense variant.
Genome position (GRCh38, 1-based): chr2:178,534,651, C>G on the plus strand (G>C on the coding strand, the complement: TTN is on the minus strand). VCF-style: chr2-178534651-C-G. GRCh37 (hg19) VCF-style: chr2-179399378-C-G.
Other names: c.97041G>C, p.Gln32347His (NM_001256850.1); c.74769G>C, p.Gln24923His (NM_003319.4); c.94260G>C, p.Gln31420His (NM_133378.4); c.75144G>C, p.Gln25048His (NM_133432.3); c.75345G>C, p.Gln25115His (NM_133437.4); short protein forms Q24923H, Q25048H, Q25115H, Q31420H, Q32347H, Q33988H.
Identifiers: ClinVar variation 2950954 (VCV002950954.3), dbSNP rs1690644273, ClinGen allele CA349418754.

ClinVar aggregate classification (germline): Uncertain significance (1 of 4 stars; one submission).

Conditions:
Dilated cardiomyopathy 1G (CMD1G). Identifiers: Orphanet 154, MedGen C1858763, MONDO:0011400, OMIM 604145.
Autosomal recessive limb-girdle muscular dystrophy type 2J (LGMDR10). Also called: Limb-girdle muscular dystrophy, type 2J; MUSCULAR DYSTROPHY, LIMB-GIRDLE, AUTOSOMAL RECESSIVE 10. Identifiers: Orphanet 140922, MedGen C1837342, MONDO:0012127, OMIM 608807.

Allele frequency attached by ClinVar (database versions not stated): gnomAD 0.00001.
gnomAD v4.1: 1 of 1,613,488 alleles (0.000062%); highest among the groups gnomAD compares: Non-Finnish European, 0.000085%; no homozygotes.

Submission:

Labcorp Genetics (formerly Invitae), Labcorp
Classification: Uncertain significance for Dilated cardiomyopathy 1G; Autosomal recessive limb-girdle muscular dystrophy type 2J. Last evaluated: 2023-11-01. Review status: criteria provided, single submitter. Criteria: Invitae Variant Classification Sherloc (09022015). Collection method: clinical testing. Allele origin: germline.
Comment: This sequence change replaces glutamine, which is neutral and polar, with histidine, which is basic and polar, at codon 33988 of the TTN protein (p.Gln33988His). This variant is not present in population databases (gnomAD no frequency). This variant has not been reported in the literature in individuals affected with TTN-related conditions. Algorithms developed to predict the effect of missense changes on protein structure and function output the following: SIFT: "Not Available"; PolyPhen-2: "Not Available"; Align-GVGD: "Not Available". The histidine amino acid residue is found in multiple mammalian species, which suggests that this missense change does not adversely affect protein function. This variant is located in the M band of TTN (PMID: 25589632). Variants in this region may be relevant for neuromuscular disorders, but have not been definitively shown to cause cardiomyopathy (PMID: 23975875). In summary, the available evidence is currently insufficient to determine the role of this variant in disease. Therefore, it has been classified as a Variant of Uncertain Significance.

Literature cited by the submitters: PubMed 25589632; PubMed 23975875.